The following is an entry in ClinVar:

NM_001232.4(CASQ2):c.860T>A (p.Ile287Asn)

Gene: CASQ2 (calsequestrin 2; minus strand). Cytogenetic location: 1p13.1.
Variant type: single nucleotide variant.
Coding change: c.860T>A on transcript NM_001232.4 (MANE Select); coding-DNA position 860, T replaced by A.
Protein change: p.Ile287Asn; replaces isoleucine 287 with asparagine.
Molecular consequence: missense variant.
Genome position (GRCh38, 1-based): chr1:115,705,271, A>T on the plus strand (T>A on the coding strand, the complement: CASQ2 is on the minus strand). VCF-style: chr1-115705271-A-T. GRCh37 (hg19) VCF-style: chr1-116247892-A-T.
Other names: short protein forms I287N.
Identifiers: ClinVar variation 574983 (VCV000574983.13), dbSNP rs368165922, ClinGen allele CA1023713.

ClinVar aggregate classification (germline): Uncertain significance. Review status: criteria provided, multiple submitters, no conflicts (2 of 4 stars). 5 submissions from 5 submitters: Uncertain significance (5). Last evaluated 2025-09-29.

Conditions:
Catecholaminergic polymorphic ventricular tachycardia 2. Also called: VENTRICULAR TACHYCARDIA, STRESS-INDUCED POLYMORPHIC 2; CASQ2-Related Catecholaminergic Polymorphic Ventricular Tachycardia. Identifiers: Orphanet 3286, MedGen C2677794, MONDO:0012762, OMIM 611938.
Catecholaminergic polymorphic ventricular tachycardia 1. Also called: VENTRICULAR TACHYCARDIA, CATECHOLAMINERGIC POLYMORPHIC, 1, WITH OR WITHOUT ATRIAL DYSFUNCTION AND/OR DILATED CARDIOMYOPATHY; VENTRICULAR TACHYCARDIA, STRESS-INDUCED POLYMORPHIC 1; RYR2-Related Catecholaminergic Polymorphic Ventricular Tachycardia. Identifiers: Orphanet 3286, MedGen C1631597, MONDO:0011484, OMIM 604772.
Cardiovascular phenotype. Identifiers: MedGen CN230736.

Allele frequency attached by ClinVar (database versions not stated): gnomAD exomes below 0.00001 and 0.00001; ExAC 0.00002; gnomAD 0.00006 and 0.00008; TOPMed 0.00007; ESP Exome Variant Server 0.00015.
gnomAD v4.1: 14 of 1,613,292 alleles (0.00087%); highest among the groups gnomAD compares: African/African-American, 0.017%; no homozygotes.

Submissions (5):

Labcorp Genetics (formerly Invitae), Labcorp
Classification: Uncertain significance for Catecholaminergic polymorphic ventricular tachycardia 1. Last evaluated: 2025-09-29. Review status: criteria provided, single submitter. Criteria: Invitae Variant Classification Sherloc (09022015). Collection method: clinical testing. Allele origin: germline.
Comment: This sequence change replaces isoleucine, which is neutral and non-polar, with asparagine, which is neutral and polar, at codon 287 of the CASQ2 protein (p.Ile287Asn). This variant is present in population databases (rs368165922, gnomAD 0.02%). This variant has not been reported in the literature in individuals affected with CASQ2-related conditions. ClinVar contains an entry for this variant (Variation ID: 574983). Invitae Evidence Modeling of protein sequence and biophysical properties (such as structural, functional, and spatial information, amino acid conservation, physicochemical variation, residue mobility, and thermodynamic stability) indicates that this missense variant is expected to disrupt CASQ2 protein function with a positive predictive value of 80%. In summary, the available evidence is currently insufficient to determine the role of this variant in disease. Therefore, it has been classified as a Variant of Uncertain Significance.

Ambry Genetics
Classification: Uncertain significance for Cardiovascular phenotype. Last evaluated: 2025-05-20. Review status: criteria provided, single submitter. Criteria: Ambry Variant Classification Scheme 2023. Collection method: clinical testing. Allele origin: germline.

Women's Health and Genetics/Laboratory Corporation of America, LabCorp
Classification: Uncertain significance. Last evaluated: 2023-10-09. Review status: criteria provided, single submitter. Criteria: LabCorp Variant Classification Summary - May 2015. Collection method: clinical testing. Allele origin: germline.

Genome-Nilou Lab
Classification: Uncertain significance for Catecholaminergic polymorphic ventricular tachycardia 2. Last evaluated: 2023-04-11. Review status: criteria provided, single submitter. Criteria: ACMG Guidelines, 2015. Collection method: clinical testing. Allele origin: germline. Affected: no.

Fulgent Genetics
Classification: Uncertain significance for Catecholaminergic polymorphic ventricular tachycardia 1; Catecholaminergic polymorphic ventricular tachycardia 2. Last evaluated: 2021-11-08. Review status: criteria provided, single submitter. Criteria: ACMG Guidelines, 2015. Collection method: clinical testing. Allele origin: unknown.